The following is an entry in ClinVar:

NM_001204.7(BMPR2):c.1346T>G (p.Met449Arg)

Gene: BMPR2 (bone morphogenetic protein receptor type 2; plus strand). Cytogenetic location: 2q33.2.
Variant type: single nucleotide variant.
Coding change: c.1346T>G on transcript NM_001204.7 (MANE Select); coding-DNA position 1346, T replaced by G.
Protein change: p.Met449Arg; replaces methionine 449 with arginine.
Molecular consequence: missense variant.
Genome position (GRCh38, 1-based): chr2:202,542,380, T>G. VCF-style: chr2-202542380-T-G. GRCh37 (hg19) VCF-style: chr2-203407103-T-G.
Other names: c.1346T>G (LRG_712t1); short protein forms M449R.
Identifiers: ClinVar variation 425926 (VCV000425926.3), dbSNP rs1085307338, ClinGen allele CA350342891.
Genomic context (GRCh38, chr2:202,542,380, plus strand): 5'-TACCAGAGTACCAGATGGCTTTTCAGACAGAGGTTGGAAACCATCCCACTTTTGAGGATA[T>G]GCAGGTTCTCGTGTCTAGGGAAAAACAGAGACCCAAGTTCCCAGAAGCCTGGAAAGAAAA-3'
Protein context (NP_001195.2, residues 439-459): EVGNHPTFED[Met449Arg]QVLVSREKQR

ClinVar aggregate classification (germline): Likely pathogenic. Review status: criteria provided, single submitter (1 of 4 stars). 2 submissions from 2 submitters: Likely pathogenic (1). 1 of the submissions does not count toward it. Last evaluated 2025-12-24.

Conditions:
Primary pulmonary hypertension. Also called: Idiopathic pulmonary hypertension. Identifiers: MedGen C0152171.
Pulmonary hypertension, primary, 1 (PPH1). Also called: Pulmonary hypertension, familial primary, 1, with or without HHT. Identifiers: Orphanet 422, MedGen C4552070, MONDO:0024533, OMIM 178600.

Submissions (2):

Labcorp Genetics (formerly Invitae), Labcorp
Classification: Likely pathogenic for Primary pulmonary hypertension. Last evaluated: 2025-12-24. Review status: criteria provided, single submitter. Criteria: Invitae Variant Classification Sherloc (09022015). Collection method: clinical testing. Allele origin: germline.
Comment: This sequence change replaces methionine, which is neutral and non-polar, with arginine, which is basic and polar, at codon 449 of the BMPR2 protein (p.Met449Arg). This variant is not present in population databases (gnomAD no frequency). This missense change has been observed in individuals with pulmonary arterial hypertension (PMID: 16728714, 30578397; internal data). ClinVar contains an entry for this variant (Variation ID: 425926). Invitae Evidence Modeling of protein sequence and biophysical properties (such as structural, functional, and spatial information, amino acid conservation, physicochemical variation, residue mobility, and thermodynamic stability) indicates that this missense variant is expected to disrupt BMPR2 protein function with a positive predictive value of 80%. In summary, the currently available evidence indicates that the variant is pathogenic, but additional data are needed to prove that conclusively. Therefore, this variant has been classified as Likely Pathogenic.

Rare Disease Genomics Group, St George's University of London
Classification: Pathogenic for Primary pulmonary hypertension. Review status: no assertion criteria provided. Collection method: literature only. Allele origin: germline. Affected: yes. Not counted in ClinVar's aggregate classification.

Literature cited by the submitters: PubMed 16728714 (cited by Labcorp Genetics (formerly Invitae), Labcorp and Rare Disease Genomics Group, St George's University of London); PubMed 30578397 (cited by Labcorp Genetics (formerly Invitae), Labcorp).